The following is an entry in ClinVar:

ClinVar aggregate classification (germline): Uncertain significance (1 of 4 stars; one submission).

Conditions:
Familial thoracic aortic aneurysm and aortic dissection (TAAD). Also called: Thoracic aortic aneurysms and dissections. Identifiers: Orphanet 91387, MedGen C4707243, MONDO:0019625.
Hereditary cancer-predisposing syndrome. Also called: Neoplastic Syndromes, Hereditary; Tumor predisposition; Hereditary neoplastic syndrome; Hereditary Cancer Syndrome. Identifiers: Orphanet 140162, MedGen C0027672, MeSH D009386, MONDO:0015356.

Submission:

Ambry Genetics
Classification: Uncertain significance for Hereditary cancer-predisposing syndrome; Familial thoracic aortic aneurysm and aortic dissection. Last evaluated: 2019-05-09. Review status: criteria provided, single submitter. Criteria: Ambry Variant Classification Scheme 2023. Collection method: clinical testing. Allele origin: germline.
Comment: The p.T254S variant (also known as c.761C>G), located in coding exon 5 of the SMAD4 gene, results from a C to G substitution at nucleotide position 761. The threonine at codon 254 is replaced by serine, an amino acid with similar properties. This amino acid position is well conserved in available vertebrate species. In addition, this alteration is predicted to be tolerated by in silico analysis. Since supporting evidence is limited at this time, the clinical significance of this alteration remains unclear.

NM_005359.6(SMAD4):c.761C>G (p.Thr254Ser)

Gene: SMAD4 (SMAD family member 4; plus strand). Cytogenetic location: 18q21.2.
Variant type: single nucleotide variant.
Coding change: c.761C>G on transcript NM_005359.6 (MANE Select); coding-DNA position 761, C replaced by G.
Protein change: p.Thr254Ser; replaces threonine 254 with serine.
Molecular consequence: missense variant.
Genome position (GRCh38, 1-based): chr18:51,058,218, C>G. VCF-style: chr18-51058218-C-G. GRCh37 (hg19) VCF-style: chr18-48584588-C-G.
Other names: short protein forms T254S.
Identifiers: ClinVar variation 827154 (VCV000827154.4), dbSNP rs1599189610, ClinGen allele CA402463068.